The following is an entry in ClinVar:

NM_000784.4(CYP27A1):c.1114G>A (p.Gly372Arg)

Gene: CYP27A1 (cytochrome P450 family 27 subfamily A member 1; plus strand). Cytogenetic location: 2q35.
Variant type: single nucleotide variant.
Coding change: c.1114G>A on transcript NM_000784.4 (MANE Select); coding-DNA position 1114, G replaced by A.
Protein change: p.Gly372Arg; replaces glycine 372 with arginine.
Molecular consequence: missense variant.
Genome position (GRCh38, 1-based): chr2:218,814,117, G>A. VCF-style: chr2-218814117-G-A. GRCh37 (hg19) VCF-style: chr2-219678840-G-A.
Other names: short protein forms G372R.
Identifiers: ClinVar variation 291259 (VCV000291259.22), dbSNP rs369969903, ClinGen allele CA2112807.

ClinVar aggregate classification (germline): Conflicting classifications of pathogenicity. Review status: criteria provided, conflicting classifications (1 of 4 stars). 5 submissions from 5 submitters: Uncertain significance (4); Likely benign (1). Last evaluated 2025-12-30.

Conditions:
Cardiovascular phenotype. Identifiers: MedGen CN230736.
Cholestanol storage disease (CTX). Also called: CEREBRAL CHOLESTERINOSIS; CTX: Cerebrotendinous xanthomatosis; Cerebrotendinous Xanthomatosis. Identifiers: Orphanet 909, MedGen C0238052, MONDO:0008948, OMIM 213700.

Allele frequency attached by ClinVar (database versions not stated): gnomAD exomes 0.00004; TOPMed 0.00005; gnomAD 0.00006 and 0.00007; ExAC 0.00008; ESP Exome Variant Server 0.00008.
gnomAD v4.1: 93 of 1,614,130 alleles (0.0058%); highest among the groups gnomAD compares: Middle Eastern, 0.016%; no homozygotes.

Submissions (5):

Labcorp Genetics (formerly Invitae), Labcorp
Classification: Likely benign for Cholestanol storage disease. Last evaluated: 2025-12-30. Review status: criteria provided, single submitter. Criteria: Invitae Variant Classification Sherloc (09022015). Collection method: clinical testing. Allele origin: germline.

Ambry Genetics
Classification: Uncertain significance for Cardiovascular phenotype. Last evaluated: 2025-08-11. Review status: criteria provided, single submitter. Criteria: Ambry Variant Classification Scheme 2023. Collection method: clinical testing. Allele origin: germline.
Comment: The p.G372R variant (also known as c.1114G>A), located in coding exon 6 of the CYP27A1 gene, results from a G to A substitution at nucleotide position 1114. The glycine at codon 372 is replaced by arginine, an amino acid with dissimilar properties. This amino acid position is conserved. In addition, this alteration is predicted to be tolerated by in silico analysis. Since supporting evidence is limited at this time, the clinical significance of this alteration remains unclear.

GeneDx
Classification: Uncertain significance. Last evaluated: 2024-05-10. Review status: criteria provided, single submitter. Criteria: GeneDx Variant Classification Process June 2021. Collection method: clinical testing. Allele origin: germline. Affected: yes.
Comment: In silico analysis indicates that this missense variant does not alter protein structure/function; In silico analysis suggests this variant may impact gene splicing. In the absence of RNA/functional studies, the actual effect of this sequence change is unknown.; Has not been previously published as pathogenic or benign to our knowledge

Illumina Laboratory Services, Illumina
Classification: Uncertain significance for Cholestanol storage disease. Last evaluated: 2017-04-27. Review status: criteria provided, single submitter. Criteria: ICSL Variant Classification Criteria 13 December 2019. Collection method: clinical testing. Allele origin: germline.

Eurofins Ntd Llc (ga)
Classification: Uncertain significance. Last evaluated: 2016-09-21. Review status: criteria provided, single submitter. Criteria: EGL Classification Definitions 2015. Collection method: clinical testing. Allele origin: germline. Observed: 2 variant alleles, 2 heterozygotes.